The following is an entry in ClinVar:

ClinVar aggregate classification (germline): Uncertain significance (1 of 4 stars; one submission).

Submission:

Labcorp Genetics (formerly Invitae), Labcorp
Classification: Uncertain significance. Last evaluated: 2021-05-18. Review status: criteria provided, single submitter. Criteria: Invitae Variant Classification Sherloc (09022015). Collection method: clinical testing. Allele origin: germline.
Comment: In summary, the available evidence is currently insufficient to determine the role of this variant in disease. Therefore, it has been classified as a Variant of Uncertain Significance. Nucleotide substitutions within the consensus splice site are a relatively common cause of aberrant splicing (PMID: 17576681, 9536098). Algorithms developed to predict the effect of sequence changes on RNA splicing suggest that this variant is not likely to affect RNA splicing, but this prediction has not been confirmed by published transcriptional studies. This variant has not been reported in the literature in individuals with SBF1-related conditions. The frequency data for this variant in the population databases is considered unreliable, as metrics indicate insufficient coverage at this position in the ExAC database. This sequence change falls in intron 6 of the SBF1 gene. It does not directly change the encoded amino acid sequence of the SBF1 protein. It affects a nucleotide within the consensus splice site of the intron.

Literature cited by the submitters: PubMed 17576681; PubMed 9536098.

NM_002972.4(SBF1):c.655+6C>T

Gene: SBF1 (SET binding factor 1; minus strand). Cytogenetic location: 22q13.33.
Variant type: single nucleotide variant.
Coding change: c.655+6C>T on transcript NM_002972.4 (MANE Select); 6 bases into the intron after coding-DNA position 655, C replaced by T.
Molecular consequence: intron variant.
Genome position (GRCh38, 1-based): chr22:50,466,599, G>A on the plus strand (C>T on the coding strand, the complement: SBF1 is on the minus strand). VCF-style: chr22-50466599-G-A. GRCh37 (hg19) VCF-style: chr22-50905028-G-A.
Other names: c.658+6C>T (NM_001365819.1).
Identifiers: ClinVar variation 1472280 (VCV001472280.6), dbSNP rs2148602293, ClinGen allele CA2573158285.